The following is an entry in ClinVar:

NM_000459.5(TEK):c.895A>G (p.Asn299Asp)

Gene: TEK (TEK receptor tyrosine kinase; plus strand). Cytogenetic location: 9p21.2.
Variant type: single nucleotide variant.
Coding change: c.895A>G on transcript NM_000459.5 (MANE Select); coding-DNA position 895, A replaced by G.
Protein change: p.Asn299Asp; replaces asparagine 299 with aspartic acid.
Molecular consequence: missense variant.
Genome position (GRCh38, 1-based): chr9:27,173,356, A>G. VCF-style: chr9-27173356-A-G. GRCh37 (hg19) VCF-style: chr9-27173354-A-G.
Other names: c.895A>G (NM_000459.3); c.895A>G, p.Asn299Asp (NM_001290077.2, NM_001375475.1, NM_001375476.1); c.583A>G, p.Asn195Asp (NM_001290078.2); short protein forms N195D, N299D.
Identifiers: ClinVar variation 3619654 (VCV003619654.3).

ClinVar aggregate classification (germline): Uncertain significance. Review status: criteria provided, multiple submitters, no conflicts (2 of 4 stars). 2 submissions from 2 submitters: Uncertain significance (2). Last evaluated 2025-05-07.

Conditions:
Inborn genetic diseases. Identifiers: MedGen C0950123, MeSH D030342.

gnomAD v4.1: 9 of 1,613,884 alleles (0.00056%); highest among the groups gnomAD compares: Admixed American, 0.015%; no homozygotes.

Submissions (2):

Ambry Genetics
Classification: Uncertain significance for Inborn genetic diseases. Last evaluated: 2025-05-07. Review status: criteria provided, single submitter. Criteria: Ambry Variant Classification Scheme 2023. Collection method: clinical testing. Allele origin: germline.

Labcorp Genetics (formerly Invitae), Labcorp
Classification: Uncertain significance. Last evaluated: 2024-04-10. Review status: criteria provided, single submitter. Criteria: Invitae Variant Classification Sherloc (09022015). Collection method: clinical testing. Allele origin: germline.
Comment: This sequence change replaces asparagine, which is neutral and polar, with aspartic acid, which is acidic and polar, at codon 299 of the TEK protein (p.Asn299Asp). This variant is present in population databases (rs768693441, gnomAD 0.03%). This variant has not been reported in the literature in individuals affected with TEK-related conditions. Advanced modeling of protein sequence and biophysical properties (such as structural, functional, and spatial information, amino acid conservation, physicochemical variation, residue mobility, and thermodynamic stability) performed at Invitae indicates that this missense variant is not expected to disrupt TEK protein function with a negative predictive value of 80%. In summary, the available evidence is currently insufficient to determine the role of this variant in disease. Therefore, it has been classified as a Variant of Uncertain Significance.